The following is an entry in ClinVar:

ClinVar aggregate classification (germline): Uncertain significance. Review status: criteria provided, multiple submitters, no conflicts (2 of 4 stars). 2 submissions from 2 submitters: Uncertain significance (2). Last evaluated 2022-03-11.

Conditions:
Fanconi anemia complementation group I (FANCI). Also called: FANCI-Related Fanconi Anemia. Identifiers: Orphanet 84, MedGen C1836861, MONDO:0012186, OMIM 609053.

Allele frequency attached by ClinVar (database versions not stated): ExAC 0.00001; gnomAD 0.00001; gnomAD exomes 0.00001.
gnomAD v4.1: 18 of 1,613,048 alleles (0.0011%); highest among the groups gnomAD compares: Admixed American, 0.005%; no homozygotes.

Submissions (2):

Fulgent Genetics
Classification: Uncertain significance for Fanconi anemia complementation group I. Last evaluated: 2022-03-11. Review status: criteria provided, single submitter. Criteria: ACMG Guidelines, 2015. Collection method: clinical testing. Allele origin: unknown.

Baylor Genetics
Classification: Uncertain significance for Fanconi anemia complementation group I. Last evaluated: 2018-11-03. Review status: criteria provided, single submitter. Criteria: ACMG Guidelines, 2015. Collection method: clinical testing. Allele origin: unknown. Affected: yes. Study: CSER-TexasKidsCanSeq.
Comment: This variant was determined to be of uncertain significance according to ACMG Guidelines, 2015 [PMID:25741868].

NM_001113378.2(FANCI):c.3656A>G (p.Lys1219Arg)

Gene: FANCI (FA complementation group I; plus strand). Cytogenetic location: 15q26.1.
Variant type: single nucleotide variant.
Coding change: c.3656A>G on transcript NM_001113378.2 (MANE Select); coding-DNA position 3656, A replaced by G.
Protein change: p.Lys1219Arg; replaces lysine 1219 with arginine.
Molecular consequence: missense variant.
Genome position (GRCh38, 1-based): chr15:89,312,908, A>G. VCF-style: chr15-89312908-A-G. GRCh37 (hg19) VCF-style: chr15-89856139-A-G.
Other names: c.3377A>G, p.Lys1126Arg (NM_001376910.1); c.3656A>G, p.Lys1219Arg (NM_001376911.1); c.3476A>G, p.Lys1159Arg (NM_018193.3); short protein forms K1126R, K1159R, K1219R.
Identifiers: ClinVar variation 998242 (VCV000998242.2), dbSNP rs757964620, ClinGen allele CA7723824.
Genomic context (GRCh38, chr15:89,312,908, plus strand): 5'-TGCTAGCTCCACAGAAAAATCATCAGGAATAAGAGAATGTGTTTCTATTTCTTTAGAATA[A>G]GAGTAAGAGCCTGAACTATACGGGAGAGAAAAAGGAGAAACCTGCTGCCGTTGCCACAGC-3'
Protein context (NP_001106849.1, residues 1209-1229): CYSFISYVQN[Lys1219Arg]SKSLNYTGEK